The following is an entry in ClinVar:

NM_000553.6(WRN):c.3394C>T (p.Gln1132Ter)

Gene: WRN (WRN RecQ like helicase; plus strand). Cytogenetic location: 8p12.
Variant type: single nucleotide variant.
Coding change: c.3394C>T on transcript NM_000553.6 (MANE Select); coding-DNA position 3394, C replaced by T.
Protein change: p.Gln1132Ter; replaces glutamine 1132 with a stop codon.
Molecular consequence: nonsense.
Genome position (GRCh38, 1-based): chr8:31,147,063, C>T. VCF-style: chr8-31147063-C-T. GRCh37 (hg19) VCF-style: chr8-31004579-C-T.
Other names: short protein forms Q1132*.
Identifiers: ClinVar variation 663649 (VCV000663649.5), dbSNP rs1585521874, ClinGen allele CA370925191.

ClinVar aggregate classification (germline): Pathogenic (1 of 4 stars; one submission).

Conditions:
Werner syndrome (WRN). Identifiers: Orphanet 902, MedGen C0043119, MONDO:0010196, OMIM 277700.

Allele frequency attached by ClinVar (database versions not stated): gnomAD exomes below 0.00001.
gnomAD v4.1: 1 of 1,613,064 alleles (0.000062%); highest among the groups gnomAD compares: Non-Finnish European, 0.000085%; no homozygotes.

Submission:

Labcorp Genetics (formerly Invitae), Labcorp
Classification: Pathogenic for Werner syndrome. Last evaluated: 2024-11-05. Review status: criteria provided, single submitter. Criteria: Invitae Variant Classification Sherloc (09022015). Collection method: clinical testing. Allele origin: germline.
Comment: This sequence change creates a premature translational stop signal (p.Gln1132*) in the WRN gene. It is expected to result in an absent or disrupted protein product. Loss-of-function variants in WRN are known to be pathogenic (PMID: 16673358). This variant is not present in population databases (gnomAD no frequency). This variant has not been reported in the literature in individuals affected with WRN-related conditions. ClinVar contains an entry for this variant (Variation ID: 663649). Algorithms developed to predict the effect of sequence changes on RNA splicing suggest that this variant may disrupt the consensus splice site. For these reasons, this variant has been classified as Pathogenic.

Literature cited by the submitters: PubMed 16673358.